The following is an entry in ClinVar:

ClinVar aggregate classification (germline): Uncertain significance (1 of 4 stars; one submission).

Conditions:
Hereditary cancer-predisposing syndrome. Also called: Tumor predisposition; Hereditary neoplastic syndrome; Hereditary Cancer Syndrome; Neoplastic Syndromes, Hereditary. Identifiers: Orphanet 140162, MedGen C0027672, MeSH D009386, MONDO:0015356.

Allele frequency attached by ClinVar (database versions not stated): ExAC 0.00003.
gnomAD v4.1: 4 of 1,602,700 alleles (0.00025%); highest among the groups gnomAD compares: South Asian, 0.0045%; no homozygotes.

Submission:

Ambry Genetics
Classification: Uncertain significance for Hereditary cancer-predisposing syndrome. Last evaluated: 2024-02-28. Review status: criteria provided, single submitter. Criteria: Ambry Variant Classification Scheme 2023. Collection method: clinical testing. Allele origin: germline.
Comment: The p.G1450A variant (also known as c.4349G>C), located in coding exon 29 of the ALK gene, results from a G to C substitution at nucleotide position 4349. The glycine at codon 1450 is replaced by alanine, an amino acid with similar properties. This amino acid position is conserved. In addition, this alteration is predicted to be tolerated by in silico analysis. Based on the available evidence, the clinical significance of this alteration remains unclear.

NM_004304.5(ALK):c.4349G>C (p.Gly1450Ala)

Gene: ALK (ALK receptor tyrosine kinase; minus strand). Cytogenetic location: 2p23.2.
Variant type: single nucleotide variant.
Coding change: c.4349G>C on transcript NM_004304.5 (MANE Select); coding-DNA position 4349, G replaced by C.
Protein change: p.Gly1450Ala; replaces glycine 1450 with alanine.
Molecular consequence: missense variant.
Genome position (GRCh38, 1-based): chr2:29,193,738, C>G on the plus strand (G>C on the coding strand, the complement: ALK is on the minus strand). VCF-style: chr2-29193738-C-G. GRCh37 (hg19) VCF-style: chr2-29416604-C-G.
Other names: c.1145G>C, p.Gly382Ala (NM_001353765.2); short protein forms G1450A, G382A.
Identifiers: ClinVar variation 3223901 (VCV003223901.1), dbSNP rs760048406, ClinGen allele CA1593592.